The following is an entry in ClinVar:

ClinVar aggregate classification (germline): Uncertain significance (1 of 4 stars; one submission).

Submission:

GeneDx
Classification: Uncertain significance. Last evaluated: 2025-03-07. Review status: criteria provided, single submitter. Criteria: GeneDx Variant Classification Process June 2021. Collection method: clinical testing. Allele origin: germline. Affected: yes.
Comment: Not observed at significant frequency in large population cohorts (gnomAD); In silico analysis supports that this missense variant has a deleterious effect on protein structure/function; Has not been previously published as pathogenic or benign to our knowledge

NM_015015.3(KDM4B):c.2371C>T (p.His791Tyr)

Gene: KDM4B (lysine demethylase 4B; plus strand). Cytogenetic location: 19p13.3.
Variant type: single nucleotide variant.
Coding change: c.2371C>T on transcript NM_015015.3 (MANE Select); coding-DNA position 2371, C replaced by T.
Protein change: p.His791Tyr; replaces histidine 791 with tyrosine.
Molecular consequence: missense variant.
Genome position (GRCh38, 1-based): chr19:5,137,324, C>T. VCF-style: chr19-5137324-C-T. GRCh37 (hg19) VCF-style: chr19-5137335-C-T.
Other names: c.2473C>T, p.His825Tyr (NM_001411148.1); short protein forms H791Y, H825Y.
Identifiers: ClinVar variation 4083062 (VCV004083062.1).